The following is an entry in ClinVar:

NM_001042492.3(NF1):c.1374del (p.Ala459fs)

Gene: NF1 (neurofibromin 1; plus strand). Cytogenetic location: 17q11.2.
Variant type: Deletion.
Coding change: c.1374del on transcript NM_001042492.3 (MANE Select); coding-DNA position 1374, one base deleted (A; older notation c.1374delA).
Protein change: p.Ala459fs; shifts the reading frame from alanine 459.
Molecular consequence: frameshift variant.
Genome position (GRCh38, 1-based): chr17:31,206,353, A deleted. VCF-style (leftmost placement, unchanged base first): chr17-31206352-CA-C. GRCh37 (hg19) VCF-style: chr17-29533370-CA-C.
Other names: p.Ala459Glnfs*14; c.1374delA, p.Ala459Glnfs (NM_000267.4); c.1374del, p.Ala459fs (NM_001128147.3); short protein forms A459fs.
Identifiers: ClinVar variation 3381157 (VCV003381157.1).

ClinVar aggregate classification (germline): Likely pathogenic (1 of 4 stars; one submission).

Submission:

Mayo Clinic Laboratories, Mayo Clinic
Classification: Likely pathogenic. Last evaluated: 2023-09-19. Review status: criteria provided, single submitter. Criteria: ACMG Guidelines, 2015. Collection method: clinical testing. Allele origin: germline. Observed: 1 variant allele.
Comment: PM2_moderate, PVS1